The following is an entry in ClinVar:

ClinVar aggregate classification (germline): Pathogenic (1 of 4 stars; one submission).

Conditions:
Charcot-Marie-Tooth disease, type I (CMT1). Also called: Charcot-Marie-Tooth disease type 1; Charcot-Marie-Tooth, Type 1. Identifiers: Orphanet 65753, MedGen C0751036, MONDO:0019011.

Submission:

Labcorp Genetics (formerly Invitae), Labcorp
Classification: Pathogenic for Charcot-Marie-Tooth disease, type I. Last evaluated: 2018-05-08. Review status: criteria provided, single submitter. Criteria: Invitae Variant Classification Sherloc (09022015). Collection method: clinical testing. Allele origin: germline.
Comment: This variant is a gross duplication of the genomic region encompassing exons 2-5 of the PMP22 gene. This assay only includes exons 2-5 of PMP22, which covers the entire coding sequence. Therefore, it is assumed that the entire gene is duplicated. Duplications of the region on chromosome 17p11.2 which contain the PMP22 gene cause Charcot-Marie-Tooth type 1A (CMT1A) (PMID: 1677316, 1822787) and have been shown to lead to increased gene dosage as the functional defect in individuals with CMT1A (PMID: 1303230). For these reasons, this variant has been classified as Pathogenic.

Literature cited by the submitters: PubMed 1677316; PubMed 1303230; PubMed 1822787.

NC_000017.10:g.(?_15162411)_(15406546_?)dup

Genes: TVP23C-CDRT4 (TVP23C-CDRT4 readthrough; minus strand), TVP23C (trans-golgi network vesicle protein 23 homolog C; minus strand), CDRT4 (CMT1A duplicated region transcript 4; minus strand), PMP22 (peripheral myelin protein 22; minus strand), TEKT3 (tektin 3; minus strand). Cytogenetic location: 17p12.
Variant type: Duplication.
Identifiers: ClinVar variation 583977 (VCV000583977.1).